The following is an entry in ClinVar:

NM_018897.3(DNAH7):c.11632TTC[2] (p.Phe3880del)

Gene: DNAH7 (dynein axonemal heavy chain 7; minus strand). Cytogenetic location: 2q32.3.
Variant type: Microsatellite.
Coding change: c.11632TTC[2] on transcript NM_018897.3 (MANE Select); two copies in a row of the 3-base unit TTC starting at c.11632; the reference has three copies in a row; one copy, 3 bases deleted; also written c.11638_11640del.
Protein change: p.Phe3880del; deletes phenylalanine 3880.
Molecular consequence: inframe deletion.
Genome position (GRCh38, 1-based): chr2:195,754,461-195,754,463, GAA deleted on the plus strand (TTC on the coding strand, the reverse complement: DNAH7 is on the minus strand); deleting any 3 consecutive bases within chr2:195,754,461-195,754,470 gives the same sequence; the position shown is the placement nearest the transcript's 3' end. VCF-style (leftmost placement, unchanged base first): chr2-195754460-TGAA-T. GRCh37 (hg19) VCF-style: chr2-196619184-TGAA-T.
Other names: c.11638_11640del (NM_018897.3); short protein forms F3880del.
Identifiers: ClinVar variation 5018915 (VCV005018915.2).
Genomic context (GRCh38, chr2:195,754,460, plus strand): 5'-CAATAGGAATTGTGTATTTCCTGGCGTAGTTCTGCTGGGCACCGGTCAGGAAGGCTTGTG[TGAA>T]GAAGAAGCCAGAAAGCCAGAAGACTGGAGGAGGACCAACCTCATACCATTGCTAGGGTGT-3'

ClinVar aggregate classification (germline): Uncertain significance (1 of 4 stars; one submission).

Conditions:
Ciliary dyskinesia, primary, 50 (CILD50). Identifiers: MedGen C5830473, MONDO:0957252, OMIM 620356.

Submission:

Juno Genomics, Hangzhou Juno Genomics, Inc
Classification: Uncertain significance for Ciliary dyskinesia, primary, 50. Review status: criteria provided, single submitter. Criteria: ACMG Guidelines, 2015. Collection method: clinical testing. Allele origin: germline.
Comment: Absent from controls (or at extremely low frequency if recessive) in Genome Aggregation Database.;Protein length changes due to in-frame deletions/insertions in a non-repeat region or stop-loss variants.